The following is an entry in ClinVar:

NM_002335.4(LRP5):c.3782C>G (p.Pro1261Arg)

Gene: LRP5 (LDL receptor related protein 5; plus strand). Cytogenetic location: 11q13.2.
Variant type: single nucleotide variant.
Coding change: c.3782C>G on transcript NM_002335.4 (MANE Select); coding-DNA position 3782, C replaced by G.
Protein change: p.Pro1261Arg; replaces proline 1261 with arginine.
Molecular consequence: missense variant.
Genome position (GRCh38, 1-based): chr11:68,433,620, C>G. VCF-style: chr11-68433620-C-G. GRCh37 (hg19) VCF-style: chr11-68201088-C-G.
Other names: c.2039C>G, p.Pro680Arg (NM_001291902.2); short protein forms P1261R, P680R.
Identifiers: ClinVar variation 1369176 (VCV001369176.7), dbSNP rs764259701, ClinGen allele CA6150117.
Genomic context (GRCh38, chr11:68,433,620, plus strand): 5'-GGGCGGGGCTGCGTGTGATGTTCTCCTCTGTCCCTCCCCCAGAGCCGCCCACCTGCTCCC[C>G]GGACCAGTTTGCATGTGCCACAGGGGAGATCGACTGTATCCCCGGGGCCTGGCGCTGTGA-3'
Protein context (NP_002326.2, residues 1251-1271): LTCGEPPTCS[Pro1261Arg]DQFACATGEI

ClinVar aggregate classification (germline): Uncertain significance. Review status: criteria provided, multiple submitters, no conflicts (2 of 4 stars). 2 submissions from 2 submitters: Uncertain significance (2). Last evaluated 2025-10-10.

Conditions:
Exudative vitreoretinopathy 4 (EVR4). Identifiers: Orphanet 891, MedGen C1866176, MONDO:0011151, OMIM 601813.
Bone mineral density quantitative trait locus 1 (BMND1). Identifiers: MedGen C1866079, OMIM 601884.
Worth disease. Also called: ENDOSTEAL HYPEROSTOSIS, AUTOSOMAL DOMINANT; OSTEOSCLEROSIS, AUTOSOMAL DOMINANT; Autosomal dominant osteosclerosis, Worth type. Identifiers: Orphanet 2790, MedGen C0432273, MONDO:0007764, OMIM 144750.
Exudative vitreoretinopathy 1 (EVR1). Also called: CRISWICK-SCHEPENS SYNDROME; FEVR, AUTOSOMAL DOMINANT; Familial exudative vitreoretinopathy, autosomal dominant. Identifiers: Orphanet 891, Orphanet 90050, MedGen C1851402, MONDO:0007589, OMIM 133780.
Osteoporosis with pseudoglioma (OPPG). Also called: osteoporosis-pseudoglioma syndrome. Identifiers: Orphanet 2788, MedGen C0432252, MONDO:0009820, OMIM 259770.
Polycystic liver disease 4 with or without kidney cysts. Identifiers: MedGen C4693479, MONDO:0044327, OMIM 617875.
Osteoporosis. Identifiers: MedGen C0029456, MONDO:0005298, OMIM 166710, HP:0000939.
Autosomal dominant osteopetrosis 1 (OPTA1). Also called: OSTEOPETROSIS, AUTOSOMAL DOMINANT, TYPE I. Identifiers: Orphanet 2783, MedGen C1843330, MONDO:0011877, OMIM 607634.

gnomAD v4.1: 2 of 1,613,366 alleles (0.00012%); highest among the groups gnomAD compares: Admixed American, 0.0033%; no homozygotes.

Submissions (2):

Labcorp Genetics (formerly Invitae), Labcorp
Classification: Uncertain significance. Last evaluated: 2025-10-10. Review status: criteria provided, single submitter. Criteria: Invitae Variant Classification Sherloc (09022015). Collection method: clinical testing. Allele origin: germline.
Comment: This sequence change replaces proline, which is neutral and non-polar, with arginine, which is basic and polar, at codon 1261 of the LRP5 protein (p.Pro1261Arg). This variant is present in population databases (rs764259701, gnomAD 0.003%). This missense change has been observed in individual(s) with LRP5-related conditions (PMID: 25711638). ClinVar contains an entry for this variant (Variation ID: 1369176). Invitae Evidence Modeling of protein sequence and biophysical properties (such as structural, functional, and spatial information, amino acid conservation, physicochemical variation, residue mobility, and thermodynamic stability) indicates that this missense variant is not expected to disrupt LRP5 protein function with a negative predictive value of 95%. In summary, the available evidence is currently insufficient to determine the role of this variant in disease. Therefore, it has been classified as a Variant of Uncertain Significance.

Fulgent Genetics
Classification: Uncertain significance for Exudative vitreoretinopathy 1; Worth disease; Osteoporosis; Osteoporosis with pseudoglioma; Exudative vitreoretinopathy 4; Bone mineral density quantitative trait locus 1; Autosomal dominant osteopetrosis 1; Polycystic liver disease 4 with or without kidney cysts. Last evaluated: 2021-11-24. Review status: criteria provided, single submitter. Criteria: ACMG Guidelines, 2015. Collection method: clinical testing. Allele origin: unknown.

Literature cited by the submitters: PubMed 25711638 (cited by Labcorp Genetics (formerly Invitae), Labcorp).